The following is an entry in ClinVar:

ClinVar aggregate classification (germline): Uncertain significance (1 of 4 stars; one submission).

gnomAD v4.1: 1 of 1,614,078 alleles (0.000062%); highest among the groups gnomAD compares: Admixed American, 0.0017%; no homozygotes.

Submission:

Labcorp Genetics (formerly Invitae), Labcorp
Classification: Uncertain significance. Last evaluated: 2023-10-29. Review status: criteria provided, single submitter. Criteria: Invitae Variant Classification Sherloc (09022015). Collection method: clinical testing. Allele origin: germline.
Comment: This sequence change replaces proline, which is neutral and non-polar, with arginine, which is basic and polar, at codon 1260 of the TNS2 protein (p.Pro1260Arg). This variant is not present in population databases (gnomAD no frequency). This variant has not been reported in the literature in individuals affected with TNS2-related conditions. ClinVar contains an entry for this variant (Variation ID: 2073768). An algorithm developed to predict the effect of missense changes on protein structure and function (PolyPhen-2) suggests that this variant is likely to be disruptive. In summary, the available evidence is currently insufficient to determine the role of this variant in disease. Therefore, it has been classified as a Variant of Uncertain Significance.

NM_170754.4(TNS2):c.3749C>G (p.Pro1250Arg)

Gene: TNS2 (tensin 2; plus strand). Cytogenetic location: 12q13.13.
Variant type: single nucleotide variant.
Coding change: c.3749C>G on transcript NM_170754.4 (MANE Select); coding-DNA position 3749, C replaced by G.
Protein change: p.Pro1250Arg; replaces proline 1250 with arginine.
Molecular consequence: missense variant.
Genome position (GRCh38, 1-based): chr12:53,062,623, C>G. VCF-style: chr12-53062623-C-G. GRCh37 (hg19) VCF-style: chr12-53456407-C-G.
Other names: c.3749C>G, p.Pro1250Arg (NM_001416202.1); c.3707C>G, p.Pro1236Arg (NM_001416203.1); c.3776C>G, p.Pro1259Arg (NM_001416204.1); c.3680C>G, p.Pro1227Arg (NM_015319.3); c.3377C>G, p.Pro1126Arg (NM_198316.2); short protein forms P1250R, P1260R, P1126R, P1227R, P1236R, P1259R.
Identifiers: ClinVar variation 2073768 (VCV002073768.4), dbSNP rs2539661274, ClinGen allele CA385017181.
Genomic context (GRCh38, chr12:53,062,623, plus strand): 5'-CCAGCCTGGGGAACACTCTGCCTTCTGAGCTTCCCTGTCGGTTCTCATTGCCCTCAGATC[C>G]TCTGGAAGAGACCCCAGAGGCTCCAGTGCCCACCAACATGAGCACAGCGGCAGACCTCCT-3'
Protein context (NP_736610.2, residues 1240-1260): PCCLRIPSKD[Pro1250Arg]LEETPEAPVP